The following is an entry in ClinVar:

NM_001148.6(ANK2):c.2377-148A>G

Gene: ANK2 (ankyrin 2; plus strand). Cytogenetic location: 4q26.
Variant type: single nucleotide variant.
Coding change: c.2377-148A>G on transcript NM_001148.6 (MANE Select); 148 bases into the intron before coding-DNA position 2377, A replaced by G.
Molecular consequence: intron variant. On other transcripts: 5 prime UTR variant (5).
Genome position (GRCh38, 1-based): chr4:113,293,292, A>G. VCF-style: chr4-113293292-A-G. GRCh37 (hg19) VCF-style: chr4-114214448-A-G.
Other names: c.-5A>G (NM_001354278.2, NM_001354279.2, NM_001354280.2 and 2 more transcripts); c.2365-148A>G (NM_001386186.2, NM_001386148.2); c.2167-148A>G (NM_001354269.3); c.2341-148A>G (NM_001386187.2); c.2335-148A>G (NM_001386147.1, NM_001386160.1, NM_001354261.2); c.2314-148A>G (NM_001354254.2, NM_001354239.2, NM_001354252.2 and 10 more transcripts); c.2215-148A>G (NM_001354253.2, NM_001354270.2, NM_001354257.2 and 1 more transcripts); c.2290-148A>G (NM_001354249.2, NM_001354266.2, NM_001354276.2 and 10 more transcripts); and 9 more.
Identifiers: ClinVar variation 5001895 (VCV005001895.1).

ClinVar aggregate classification (germline): Likely benign (1 of 4 stars; one submission).

Conditions:
ANK2-related disorder. Also called: ANK2-related condition.

gnomAD v4.1: 2 of 742,346 alleles (0.00027%); highest among the groups gnomAD compares: Non-Finnish European, 0.00047%; no homozygotes.

Submission:

PreventionGenetics, part of Exact Sciences
Classification: Likely benign for ANK2-related condition. Last evaluated: 2025-08-15. Review status: criteria provided, single submitter. Criteria: ACMG Guidelines, 2015. Collection method: clinical testing. Allele origin: germline.
Comment: This variant is classified as likely benign based on ACMG/AMP sequence variant interpretation guidelines (Richards et al. 2015 PMID: 25741868, with internal and published modifications).